The following is an entry in ClinVar:

ClinVar aggregate classification (germline): Uncertain significance (1 of 4 stars; one submission).

Conditions:
Inborn genetic diseases. Identifiers: MedGen C0950123, MeSH D030342.

gnomAD v4.1: 1 of 1,614,044 alleles (0.000062%); highest among the groups gnomAD compares: Non-Finnish European, 0.000085%; no homozygotes.

Submission:

Ambry Genetics
Classification: Uncertain significance for Inborn genetic diseases. Last evaluated: 2025-09-06. Review status: criteria provided, single submitter. Criteria: Ambry Variant Classification Scheme 2023. Collection method: clinical testing. Allele origin: germline.
Comment: The p.L1362F variant (also known as c.4086G>T), located in coding exon 41 of the FANCA gene, results from a G to T substitution at nucleotide position 4086. The leucine at codon 1362 is replaced by phenylalanine, an amino acid with highly similar properties. This amino acid position is conserved. In addition, the in silico prediction for this alteration is inconclusive. Based on the available evidence, the clinical significance of this variant remains unclear.

NM_000135.4(FANCA):c.4086G>T (p.Leu1362Phe)

Genes: ZNF276 (zinc finger protein 276; plus strand), FANCA (FA complementation group A; minus strand). Cytogenetic location: 16q24.3.
Variant type: single nucleotide variant.
Coding change: c.4086G>T on transcript NM_000135.4 (MANE Select); coding-DNA position 4086, G replaced by T.
Protein change: p.Leu1362Phe; replaces leucine 1362 with phenylalanine.
Molecular consequence: missense variant. On other transcripts: 3 prime UTR variant (2), non-coding transcript variant (4).
Genome position (GRCh38, 1-based): chr16:89,739,214, C>A on the plus strand (G>T on the coding strand, the complement: FANCA is on the minus strand). VCF-style: chr16-89739214-C-A. GRCh37 (hg19) VCF-style: chr16-89805622-C-A.
Other names: c.4086G>T, p.Leu1362Phe (NM_001286167.3); c.*968C>A (NM_001113525.2, NM_152287.4); short protein forms L1362F.
Identifiers: ClinVar variation 4254334 (VCV004254334.1).
Genomic context (GRCh38, chr16:89,739,214, plus strand): 5'-CCTGCCAGCTGGAGGTGAAACTGTGCTTGTATCCCCAGCCACGAAGAGCTGGACCAGCTT[C>A]AAGTACATGTCCACAGCAACATGCAGGAAGGCCTCTTCCCTGATGGCCGCGTCTTCATGG-3'
Protein context (NP_000126.2, residues 1352-1372): AFLHVAVDMY[Leu1362Phe]KLVQLFVAGD